The following is an entry in ClinVar:

ClinVar aggregate classification (germline): Uncertain significance (1 of 4 stars; one submission).

Submission:

Labcorp Genetics (formerly Invitae), Labcorp
Classification: Uncertain significance. Last evaluated: 2022-04-21. Review status: criteria provided, single submitter. Criteria: Invitae Variant Classification Sherloc (09022015). Collection method: clinical testing. Allele origin: germline.
Comment: In summary, the available evidence is currently insufficient to determine the role of this variant in disease. Therefore, it has been classified as a Variant of Uncertain Significance. Advanced modeling of protein sequence and biophysical properties (such as structural, functional, and spatial information, amino acid conservation, physicochemical variation, residue mobility, and thermodynamic stability) performed at Invitae indicates that this missense variant is not expected to disrupt LRP2 protein function. This variant has not been reported in the literature in individuals affected with LRP2-related conditions. This variant is not present in population databases (gnomAD no frequency). This sequence change replaces glutamic acid, which is acidic and polar, with glutamine, which is neutral and polar, at codon 3669 of the LRP2 protein (p.Glu3669Gln).

NM_004525.3(LRP2):c.11005G>C (p.Glu3669Gln)

Gene: LRP2 (LDL receptor related protein 2; minus strand). Cytogenetic location: 2q31.1.
Variant type: single nucleotide variant.
Coding change: c.11005G>C on transcript NM_004525.3 (MANE Select); coding-DNA position 11005, G replaced by C.
Protein change: p.Glu3669Gln; replaces glutamic acid 3669 with glutamine.
Molecular consequence: missense variant.
Genome position (GRCh38, 1-based): chr2:169,173,928, C>G on the plus strand (G>C on the coding strand, the complement: LRP2 is on the minus strand). VCF-style: chr2-169173928-C-G. GRCh37 (hg19) VCF-style: chr2-170030438-C-G.
Other names: short protein forms E3669Q.
Identifiers: ClinVar variation 1943252 (VCV001943252.5), dbSNP rs2545726874, ClinGen allele CA349144272.